The following is an entry in ClinVar:

NM_000051.4(ATM):c.4894A>G (p.Met1632Val)

Gene: ATM (ATM serine/threonine kinase; plus strand). Cytogenetic location: 11q22.3.
Variant type: single nucleotide variant.
Coding change: c.4894A>G on transcript NM_000051.4 (MANE Select); coding-DNA position 4894, A replaced by G.
Protein change: p.Met1632Val; replaces methionine 1632 with valine.
Molecular consequence: missense variant.
Genome position (GRCh38, 1-based): chr11:108,295,044, A>G. VCF-style: chr11-108295044-A-G. GRCh37 (hg19) VCF-style: chr11-108165771-A-G.
Other names: c.4894A>G, p.Met1632Val (NM_001351834.2); short protein forms M1632V.
Identifiers: ClinVar variation 407731 (VCV000407731.9), dbSNP rs1060501709, ClinGen allele CA16613360.

ClinVar aggregate classification (germline): Uncertain significance. Review status: criteria provided, multiple submitters, no conflicts (2 of 4 stars). 2 submissions from 2 submitters: Uncertain significance (2). Last evaluated 2025-01-28.

Conditions:
ATM-related cancer predisposition. Also called: ATM-related cancer susceptibility. Identifiers: MedGen CN377759, MONDO:0700270.
Ataxia-telangiectasia syndrome (AT). Also called: Ataxia-telangiectasia, complementation group D; AT, COMPLEMENTATION GROUP C; LOUIS-BAR SYNDROME; Cerebello-oculocutaneous telangiectasia; Immunodeficiency with ataxia telangiectasia; ATAXIA-TELANGIECTASIA, COMPLEMENTATION GROUP A. Identifiers: Orphanet 100, MedGen C0004135, MONDO:0008840, OMIM 208900.

Submissions (2):

Labcorp Genetics (formerly Invitae), Labcorp
Classification: Uncertain significance for Ataxia-telangiectasia syndrome. Last evaluated: 2025-01-28. Review status: criteria provided, single submitter. Criteria: Invitae Variant Classification Sherloc (09022015). Collection method: clinical testing. Allele origin: germline.
Comment: This sequence change replaces methionine, which is neutral and non-polar, with valine, which is neutral and non-polar, at codon 1632 of the ATM protein (p.Met1632Val). RNA analysis indicates that this missense change induces altered splicing and may result in an absent or altered protein product. This variant is not present in population databases (gnomAD no frequency). This variant has not been reported in the literature in individuals affected with ATM-related conditions. ClinVar contains an entry for this variant (Variation ID: 407731). Invitae Evidence Modeling of protein sequence and biophysical properties (such as structural, functional, and spatial information, amino acid conservation, physicochemical variation, residue mobility, and thermodynamic stability) indicates that this missense variant is not expected to disrupt ATM protein function with a negative predictive value of 95%. Studies have shown that this missense change results in partial deletion of exon 32, and produces a non-functional protein and/or introduces a premature termination codon (internal data). In summary, the available evidence is currently insufficient to determine the role of this variant in disease. Therefore, it has been classified as a Variant of Uncertain Significance.

Department of Pathology and Laboratory Medicine, Sinai Health System
Classification: Uncertain significance for ATM-related cancer predisposition. Last evaluated: 2023-07-25. Review status: criteria provided, single submitter. Criteria: ACMG Guidelines, 2015. Collection method: clinical testing. Allele origin: germline. Affected: no.